The following is an entry in ClinVar:

NM_000238.4(KCNH2):c.3146T>C (p.Leu1049Pro)

Gene: KCNH2 (potassium voltage-gated channel subfamily H member 2; minus strand). Cytogenetic location: 7q36.1.
Variant type: single nucleotide variant.
Coding change: c.3146T>C on transcript NM_000238.4 (MANE Select); coding-DNA position 3146, T replaced by C.
Protein change: p.Leu1049Pro; replaces leucine 1049 with proline.
Molecular consequence: missense variant.
Genome position (GRCh38, 1-based): chr7:150,947,334, A>G on the plus strand (T>C on the coding strand, the complement: KCNH2 is on the minus strand). VCF-style: chr7-150947334-A-G. GRCh37 (hg19) VCF-style: chr7-150644422-A-G.
Other names: c.3146T>C (LRG_288t1); c.2126T>C, p.Leu709Pro (NM_172057.3); short protein forms L1049P, L709P.
Identifiers: ClinVar variation 67474 (VCV000067474.1), dbSNP rs199473026, ClinGen allele CA008049.

ClinVar aggregate classification (germline): not provided (0 of 4 stars; one submission).

Conditions:
Familial long QT syndrome (RWS). Also called: Congenital long QT syndrome; Romano-Ward syndrome; VENTRICULAR FIBRILLATION WITH PROLONGED QT INTERVAL. Identifiers: Orphanet 768, MedGen C1141890, MONDO:0019171.

Submission:

Cardiovascular Biomedical Research Unit, Royal Brompton & Harefield NHS Foundation Trust
No classification provided. Condition: Familial long QT syndrome. Review status: no classification provided. Collection method: literature only. Allele origin: germline.
Comment: This variant has been reported as associated with Long QT syndrome in the following publications (PMID:19716085). This is a literature report, and does not necessarily reflect the clinical interpretation of the Imperial College / Royal Brompton Cardiovascular Genetics laboratory.

Literature cited by the submitters: PubMed 19716085; PubMed 22581653.